The following is an entry in ClinVar:

NM_001040436.3(YARS2):c.1409A>G (p.Tyr470Cys)

Gene: YARS2 (tyrosyl-tRNA synthetase 2; minus strand). Cytogenetic location: 12p11.21.
Variant type: single nucleotide variant.
Coding change: c.1409A>G on transcript NM_001040436.3 (MANE Select); coding-DNA position 1409, A replaced by G.
Protein change: p.Tyr470Cys; replaces tyrosine 470 with cysteine.
Molecular consequence: missense variant.
Genome position (GRCh38, 1-based): chr12:32,747,229, T>C on the plus strand (A>G on the coding strand, the complement: YARS2 is on the minus strand). VCF-style: chr12-32747229-T-C. GRCh37 (hg19) VCF-style: chr12-32900163-T-C.
Other names: short protein forms Y470C.
Identifiers: ClinVar variation 1915857 (VCV001915857.5), dbSNP rs2541151787, ClinGen allele CA384368229.
Genomic context (GRCh38, chr12:32,747,229, plus strand): 5'-GGTAAGTTTATTTGGACAACCAGAAGGACTTTTCATCACAACTGAAGCCATTTTATAATG[T>C]AGAAATTTCTTTTTCCTATTTTAAGTAAGGAAAGTCCATTCTTGAGAATATGTTGTCCAA-3'
Protein context (NP_001035526.1, residues 460-477): SLLKIGKRNF[Tyr470Cys]IIKWLQL

ClinVar aggregate classification (germline): Uncertain significance (1 of 4 stars; one submission).

Allele frequency attached by ClinVar (database versions not stated): gnomAD exomes below 0.00001.

Submission:

Labcorp Genetics (formerly Invitae), Labcorp
Classification: Uncertain significance. Last evaluated: 2022-10-04. Review status: criteria provided, single submitter. Criteria: Invitae Variant Classification Sherloc (09022015). Collection method: clinical testing. Allele origin: germline.
Comment: Advanced modeling of protein sequence and biophysical properties (such as structural, functional, and spatial information, amino acid conservation, physicochemical variation, residue mobility, and thermodynamic stability) performed at Invitae indicates that this missense variant is not expected to disrupt YARS2 protein function. This variant has not been reported in the literature in individuals affected with YARS2-related conditions. This variant is not present in population databases (gnomAD no frequency). This sequence change replaces tyrosine, which is neutral and polar, with cysteine, which is neutral and slightly polar, at codon 470 of the YARS2 protein (p.Tyr470Cys). In summary, the available evidence is currently insufficient to determine the role of this variant in disease. Therefore, it has been classified as a Variant of Uncertain Significance.